The following is an entry in ClinVar:

NM_001385079.1(PDE10A):c.963A>G (p.Lys321=)

Gene: PDE10A (phosphodiesterase 10A; minus strand). Cytogenetic location: 6q27.
Variant type: single nucleotide variant.
Coding change: c.963A>G on transcript NM_001385079.1 (MANE Select); coding-DNA position 963, A replaced by G.
Protein change: p.Lys321=; no amino-acid change (lysine 321 retained).
Molecular consequence: synonymous variant.
Genome position (GRCh38, 1-based): chr6:165,543,471, T>C on the plus strand (A>G on the coding strand, the complement: PDE10A is on the minus strand). VCF-style: chr6-165543471-T-C. GRCh37 (hg19) VCF-style: chr6-165956959-T-C.
Other names: c.165A>G, p.Lys55= (NM_001130690.3); c.135A>G, p.Lys45= (NM_006661.4).
Identifiers: ClinVar variation 788415 (VCV000788415.13), dbSNP rs6924943, ClinGen allele CA4092586.

ClinVar aggregate classification (germline): Benign. Review status: criteria provided, single submitter (1 of 4 stars). 2 submissions from 2 submitters: Benign (1). 1 of the submissions does not count toward it. Last evaluated 2026-01-19.

Conditions:
PDE10A-related disorder. Also called: PDE10A-related condition.

Allele frequency attached by ClinVar (database versions not stated): gnomAD exomes 0.00107 and 0.00301; ExAC 0.00371; gnomAD 0.01170 and 0.01275; ESP Exome Variant Server 0.01261; TOPMed 0.01323; 1000 Genomes Project 0.01378; 1000 Genomes Project 30x 0.01437.
gnomAD v4.1: 3,439 of 1,613,148 alleles (0.21%); highest among the groups gnomAD compares: African/African-American, 3.9%; 70 homozygotes.

Submissions (2):

Labcorp Genetics (formerly Invitae), Labcorp
Classification: Benign. Last evaluated: 2026-01-19. Review status: criteria provided, single submitter. Criteria: Invitae Variant Classification Sherloc (09022015). Collection method: clinical testing. Allele origin: germline.

PreventionGenetics, part of Exact Sciences
Classification: Benign for PDE10A-related condition. Last evaluated: 2019-05-06. Review status: no assertion criteria provided. Collection method: clinical testing. Allele origin: germline. Not counted in ClinVar's aggregate classification.
Comment: This variant is classified as benign based on ACMG/AMP sequence variant interpretation guidelines (Richards et al. 2015 PMID: 25741868, with internal and published modifications).